The following is an entry in ClinVar:

NM_001042492.3(NF1):c.499_502del (p.Cys167fs)

Gene: NF1 (neurofibromin 1; plus strand). Cytogenetic location: 17q11.2.
Variant type: Microsatellite.
Coding change: c.499_502del on transcript NM_001042492.3 (MANE Select); coding-DNA positions 499 to 502, 4 bases deleted (TGTT; older notation c.499_502delTGTT).
Protein change: p.Cys167fs; shifts the reading frame from cysteine 167.
Molecular consequence: frameshift variant.
Genome position (GRCh38, 1-based): chr17:31,169,910-31,169,913, TGTT deleted; deleting any 4 consecutive bases within chr17:31,169,906-31,169,913 gives the same sequence; the c. name uses the placement nearest the transcript's 3' end. VCF-style (leftmost placement, unchanged base first): chr17-31169905-CTGTT-C. GRCh37 (hg19) VCF-style: chr17-29496923-CTGTT-C.
Other names: p.Cys167Glnfs*10; NM_001042492.3(NF1):c.499_502del; p.Cys167fs; c.499_502delTGTT (NM_001042492.2, NM_000267.3); c.499_502del (NM_001042492.2); c.495_498TGTT[1], p.Cys167Glnfs (NM_000267.4); c.499_502del, p.Cys167fs (NM_001128147.3); short protein forms C167fs.
Identifiers: ClinVar variation 185021 (VCV000185021.94), dbSNP rs786201874, ClinGen allele CA190800.

ClinVar aggregate classification (germline): Pathogenic. Review status: criteria provided, multiple submitters, no conflicts (2 of 4 stars). 32 submissions from 30 submitters: Pathogenic (28). 4 of the submissions do not count toward it. Last evaluated 2026-09-09.
ClinVar aggregate classification (somatic clinical impact): Tier I - Strong (1 of 4 stars; one submission).

Conditions:
Cardiovascular phenotype. Identifiers: MedGen CN230736.
Hereditary cancer-predisposing syndrome. Also called: Tumor predisposition; Hereditary neoplastic syndrome; Neoplastic Syndromes, Hereditary; Hereditary Cancer Syndrome. Identifiers: Orphanet 140162, MedGen C0027672, MeSH D009386, MONDO:0015356.
Tibial pseudarthrosis. Identifiers: MedGen C4024216, HP:0009736.
Neurofibromatosis, type 1 (NF1). Also called: NEUROFIBROMATOSIS, TYPE I, SOMATIC; Peripheral type neurofibromatosis; Neurofibromatosis, type I; VON RECKLINGHAUSEN DISEASE. Identifiers: Orphanet 636, MedGen C0027831, MONDO:0018975, OMIM 162200. Disease mechanism: loss of function.
Juvenile myelomonocytic leukemia (JMML). Also called: LEUKEMIA, JUVENILE MYELOMONOCYTIC, SOMATIC. Identifiers: Orphanet 86834, MedGen C0349639, MONDO:0011908, OMIM 607785, HP:0012209.
Neurofibromatosis-Noonan syndrome (NFNS). Also called: NEUROFIBROMATOSIS WITH NOONAN PHENOTYPE. Identifiers: Orphanet 638, MedGen C2931482, MONDO:0011035, OMIM 601321. Disease mechanism: loss of function.
Café-au-lait macules with pulmonary stenosis (WTSN). Also called: PULMONIC STENOSIS WITH CAFE-AU-LAIT SPOTS. Identifiers: MedGen C0553586, MONDO:0008672, OMIM 193520.
Neurofibromatosis, familial spinal (FSNF). Identifiers: Orphanet 636, MedGen C1834235, MONDO:0008078, OMIM 162210. Disease mechanism: loss of function.
Inborn genetic diseases. Identifiers: MedGen C0950123, MeSH D030342.
NF1-related disorder. Also called: NF1-related condition. Identifiers: MedGen CN379171.
Embryonal rhabdomyosarcoma (ERMS). Also called: Botryoid rhabdomyosarcoma (type of ERMS); Spindle cell rhabdomyosarcomas (type of ERMS). Identifiers: Orphanet 99757, MedGen C0206656, MONDO:0009993, HP:0006743.

Submissions 1 to 10 of 33:

PreventionGenetics, part of Exact Sciences
Classification: Pathogenic for NF1-related condition. Last evaluated: 2026-09-09. Review status: criteria provided, single submitter. Criteria: ACMG Guidelines, 2015. Collection method: clinical testing. Allele origin: germline.
Comment: The NF1 c.499_502delTGTT variant is predicted to result in a frameshift and premature protein termination (p.Cys167Glnfs*10). This variant has been reported in multiple individuals with clinical features consistent with neurofibromatosis type 1 (NF1) (for example, also known as 495delTGTT in Osborn et al. 1999. PubMed ID: 10543400; Giugliano et al. 2019. PubMed ID: 31370276; Table S3, LaDuca et al. 2017. PubMed ID: 28152038). This variant is reported in 0.0029% of alleles in individuals of Latino descent in gnomAD and is interpreted as pathogenic in ClinVar (Variation ID: 185021). Frameshift variants in NF1 are expected to be pathogenic. This variant is interpreted as pathogenic.

Broad Center for Mendelian Genomics, Broad Institute of MIT and Harvard
Classification: Pathogenic for Neurofibromatosis, type 1. Last evaluated: 2026-03-02. Review status: criteria provided, single submitter. Criteria: ACMG Guidelines, 2015. Collection method: research. Allele origin: germline. Inheritance: Autosomal dominant inheritance.
Comment: The p.Cys167GlnfsTer10 variant in NF1 has been reported in at least 10 individuals with neurofibromatosis type 1 (PMID: 24294391, 31730495, 30530636, 31370276, 33877690, 36703223, 31533797, 10543400, 31066482), and has been identified in 0.002% (1/59450) of Admixed American chromosomes by the Genome Aggregation Database (gnomAD; dbSNP rs786201874). This variant has also been reported in ClinVar (Variation ID: 185021) and has been interpreted as pathogenic by several submitters. This variant was found to be de novo in 1 individual with confirmed paternity and maternity (PMID: 31533797/ClinVar SCV001169689.1), and is assumed de novo in at least 3 additional individuals, but maternity and paternity have not been confirmed (PMID: 10543400, 31066482). This variant is predicted to cause a frameshift, which alters the protein’s amino acid sequence beginning at position 167 and leads to a premature termination codon 10 amino acids downstream. This alteration is then predicted to lead to a truncated or absent protein. Heterozygous loss of function of the NF1 gene is an established disease mechanism in neurofibromatosis type 1. In summary, this variant meets criteria to be classified as pathogenic for autosomal dominant neurofibromatosis type 1. ACMG/AMP Criteria applied: PVS1, PS2, PS4_moderate (Richards 2015).

Institute of Medical Genetics and Applied Genomics, University Hospital Tübingen
Classification: Pathogenic for Neurofibromatosis, type 1. Last evaluated: 2026-02-16. Review status: criteria provided, single submitter. Criteria: ACMG Guidelines, 2015. Collection method: clinical testing. Allele origin: germline. Inheritance: Autosomal dominant inheritance. Affected: yes.

Labcorp Genetics (formerly Invitae), Labcorp
Classification: Pathogenic for Neurofibromatosis, type 1. Last evaluated: 2025-12-05. Review status: criteria provided, single submitter. Criteria: Invitae Variant Classification Sherloc (09022015). Collection method: clinical testing. Allele origin: germline.
Comment: This sequence change creates a premature translational stop signal (p.Cys167Glnfs*10) in the NF1 gene. It is expected to result in an absent or disrupted protein product. Loss-of-function variants in NF1 are known to be pathogenic (PMID: 10712197, 23913538). This variant is present in population databases (rs786201874, gnomAD 0.003%). This premature translational stop signal has been observed in individual(s) with neurofibromatosis type 1 (NF1) (PMID: 10543400, 24294391). Invitae Evidence Modeling of clinical and family history, age, sex, and reported ancestry of multiple individuals with this NF1 variant has been performed. This variant is expected to be pathogenic with a positive predictive value of at least 99%. This is a validated machine learning model that incorporates the clinical features of 1,785,918 individuals referred to our laboratory for NF1 testing. This variant is also known as 495delTGTT. ClinVar contains an entry for this variant (Variation ID: 185021). For these reasons, this variant has been classified as Pathogenic.

Centre of Medical Genetics, University Hospital Muenster
Classification: Pathogenic. Last evaluated: 2025-07-16. Review status: criteria provided, single submitter. Criteria: ACMG Guidelines, 2015. Collection method: clinical testing. Allele origin: unknown. Affected: yes. Observed: 1 variant allele, 1 heterozygote.
Comment: ACMG categories: PVS1,PS4,PM2_sup,PP4

Institute of Human Genetics, FAU Erlangen, Friedrich-Alexander-Universität Erlangen-Nürnberg
Classification: Pathogenic. Last evaluated: 2024-10-16. Review status: criteria provided, single submitter. Criteria: Hauer et al. (Genet Med. 2018). Collection method: clinical testing. Allele origin: germline. Inheritance: Unknown mechanism. Affected: yes. Observed: 1 variant allele.
Comment: This variant has been identified by standard clinical testing. Selected ACMG criteria: Pathogenic (I):PP5;PP4;PVS1

Dubai Health Genomic Medicine Center, Dubai Health
Classification: Pathogenic for Watson syndrome. Last evaluated: 2024-10-04. Review status: criteria provided, single submitter. Criteria: ACMG Guidelines, 2015. Collection method: research. Allele origin: germline. Affected: yes.
Comment: PVS1, PS4, PM2

Blueprint Genetics
Classification: Pathogenic for NF1-related disorders. Last evaluated: 2024-08-06. Review status: criteria provided, single submitter. Criteria: ACMG Guidelines, 2015. Collection method: clinical testing. Allele origin: germline. Affected: yes. Observed: 5 variant alleles.

KCCC/NGS Laboratory, Kuwait Cancer Control Center
Classification: Pathogenic for Neurofibromatosis, type 1. Last evaluated: 2024-07-31. Review status: criteria provided, single submitter. Criteria: ACMG Guidelines, 2015. Collection method: clinical testing. Allele origin: germline. Inheritance: Autosomal dominant inheritance. Affected: yes. Observed: 1 heterozygote.
Comment: This sequence change creates a premature translational stop signal (p.Cys167Glnfs*10) in the NF1 gene. It is expected to result in an absent or disrupted protein product. Loss-of-function variants in NF1 are known to be pathogenic (PMID: 10712197, 23913538). This variant is present in population databases (rs786201874, gnomAD 0.003%). This premature translational stop signal has been observed in individual(s) with neurofibromatosis type 1 (NF1) . This variant is associated with the following publications: (PMID: 18546366, 17726231, 17311297, 31533797, 24294391, 22155606, 12807981, 18041031, 10543400, 24676424, 20844836, 23913538, 30293248, 30530636, 28191890, 16835897, 24789688, 27838393, 28152038, 31730495, 30098238, 31370276, 34246755, 31066482).. This variant is also known as 495delTGTT. ClinVar contains an entry for this variant (Variation ID: 185021). For these reasons, this variant has been classified as Pathogenic.

Dasa
Classification: Pathogenic. Last evaluated: 2024-07-18. Review status: criteria provided, single submitter. Criteria: DASA Assertion Criteria. Collection method: clinical testing. Allele origin: germline.
Comment: NM_001042492.3(NF1):c.499_502del (p.Cys167GlnfsTer10) is a frameshift variant in NF1 predicted to alter the reading frame and introduce a premature termination codon and is predicted to result in an absent or altered protein product. Loss of function is an established disease mechanism for NF1 (PMID: 1757093; PMID: 1302608; PMID: 34427956). Also, this variant is rare in population databases. Based on the currently available evidence, this variant is classified as pathogenic.